The following is an entry in ClinVar:

ClinVar aggregate classification (germline): Benign/Likely benign. Review status: criteria provided, multiple submitters, no conflicts (2 of 4 stars). 3 submissions from 3 submitters: Benign (1); Likely benign (2). Last evaluated 2025-10-29.

Conditions:
Hereditary cancer-predisposing syndrome. Also called: Tumor predisposition; Hereditary neoplastic syndrome; Neoplastic Syndromes, Hereditary; Hereditary Cancer Syndrome. Identifiers: Orphanet 140162, MedGen C0027672, MeSH D009386, MONDO:0015356.
Lung cancer. Also called: Malignant tumor of lung; Lung cancer, somatic. Identifiers: MedGen C0242379, MONDO:0008903, OMIM 211980.
EGFR-related lung cancer (EGFR). Identifiers: MedGen CN130014.

Allele frequency attached by ClinVar (database versions not stated): gnomAD exomes 0.00001.
gnomAD v4.1: 5 of 1,613,884 alleles (0.00031%); highest among the groups gnomAD compares: Non-Finnish European, 0.00042%; no homozygotes.

Submissions (3):

Labcorp Genetics (formerly Invitae), Labcorp
Classification: Likely benign for EGFR-related lung cancer. Last evaluated: 2025-10-29. Review status: criteria provided, single submitter. Criteria: Invitae Variant Classification Sherloc (09022015). Collection method: clinical testing. Allele origin: germline.

Ambry Genetics
Classification: Likely benign for Hereditary cancer-predisposing syndrome. Last evaluated: 2025-03-14. Review status: criteria provided, single submitter. Criteria: Ambry Variant Classification Scheme 2023. Collection method: clinical testing. Allele origin: germline.

Myriad Genetics, Inc.
Classification: Benign for Lung cancer. Last evaluated: 2024-10-17. Review status: criteria provided, single submitter. Criteria: Myriad Autosomal Dominant, Autosomal Recessive and X-Linked Classification Criteria (2023). Collection method: clinical testing. Allele origin: unknown.
Comment: This variant is considered benign. This variant is a silent/synonymous amino acid change and it is not expected to impact splicing.

NM_005228.5(EGFR):c.2613A>G (p.Ala871=)

Gene: EGFR (epidermal growth factor receptor; plus strand). Cytogenetic location: 7p11.2.
Variant type: single nucleotide variant.
Coding change: c.2613A>G on transcript NM_005228.5 (MANE Select); coding-DNA position 2613, A replaced by G.
Protein change: p.Ala871=; no amino-acid change (alanine 871 retained).
Molecular consequence: synonymous variant.
Genome position (GRCh38, 1-based): chr7:55,191,862, A>G. VCF-style: chr7-55191862-A-G. GRCh37 (hg19) VCF-style: chr7-55259555-A-G.
Other names: c.2478A>G, p.Ala826= (NM_001346897.2, NM_001346899.2); c.2613A>G, p.Ala871= (NM_001346898.2); c.2454A>G, p.Ala818= (NM_001346900.2); c.1812A>G, p.Ala604= (NM_001346941.2).
Identifiers: ClinVar variation 2178554 (VCV002178554.6), dbSNP rs2128964703, ClinGen allele CA454965673.